The following is an entry in ClinVar:

ClinVar aggregate classification (germline): Uncertain significance (1 of 4 stars; one submission).

Allele frequency attached by ClinVar (database versions not stated): gnomAD 0.00001; gnomAD exomes 0.00001.
gnomAD v4.1: 13 of 1,556,668 alleles (0.00084%); highest among the groups gnomAD compares: Admixed American, 0.0084%; no homozygotes.

Submission:

Labcorp Genetics (formerly Invitae), Labcorp
Classification: Uncertain significance. Last evaluated: 2025-12-24. Review status: criteria provided, single submitter. Criteria: Invitae Variant Classification Sherloc (09022015). Collection method: clinical testing. Allele origin: germline.
Comment: This sequence change replaces methionine, which is neutral and non-polar, with threonine, which is neutral and polar, at codon 248 of the GUCY2C protein (p.Met248Thr). This variant is present in population databases (no rsID available, gnomAD 0.009%). This variant has not been reported in the literature in individuals affected with GUCY2C-related conditions. ClinVar contains an entry for this variant (Variation ID: 1362656). Invitae Evidence Modeling of protein sequence and biophysical properties (such as structural, functional, and spatial information, amino acid conservation, physicochemical variation, residue mobility, and thermodynamic stability) indicates that this missense variant is not expected to disrupt GUCY2C protein function with a negative predictive value of 80%. In summary, the available evidence is currently insufficient to determine the role of this variant in disease. Therefore, it has been classified as a Variant of Uncertain Significance.

NM_004963.4(GUCY2C):c.743T>C (p.Met248Thr)

Genes: GUCY2C (guanylate cyclase 2C; minus strand), GUCY2C-AS1 (GUCY2C antisense RNA 1; plus strand). Cytogenetic location: 12p12.3.
Variant type: single nucleotide variant.
Coding change: c.743T>C on transcript NM_004963.4 (MANE Select); coding-DNA position 743, T replaced by C.
Protein change: p.Met248Thr; replaces methionine 248 with threonine.
Molecular consequence: missense variant.
Genome position (GRCh38, 1-based): chr12:14,679,744, A>G on the plus strand (T>C on the coding strand, the complement: GUCY2C is on the minus strand). VCF-style: chr12-14679744-A-G. GRCh37 (hg19) VCF-style: chr12-14832678-A-G.
Other names: short protein forms M248T.
Identifiers: ClinVar variation 1362656 (VCV001362656.8), dbSNP rs912930492, ClinGen allele CA384005048.
Genomic context (GRCh38, chr12:14,679,744, plus strand): 5'-ATGTCTTCAGCCACTGCTCGGTCACCCTTCAGCTTGTAGAGGAACTCTGGACCACCACAC[A>G]TAATAATCACTGGAGGAGAAGGTAAGACAAGGAGAGAAATATATGACAGTCTACAGACAA-3'
Protein context (NP_004954.2, residues 238-258): DHNRKSNVII[Met248Thr]CGGPEFLYKL